The following is an entry in ClinVar:

ClinVar aggregate classification (germline): Uncertain significance. Review status: criteria provided, multiple submitters, no conflicts (2 of 4 stars). 2 submissions from 2 submitters: Uncertain significance (2). Last evaluated 2025-05-05.

Conditions:
Hereditary cancer-predisposing syndrome. Also called: Tumor predisposition; Hereditary Cancer Syndrome; Hereditary neoplastic syndrome; Neoplastic Syndromes, Hereditary. Identifiers: Orphanet 140162, MedGen C0027672, MeSH D009386, MONDO:0015356.
Ataxia-telangiectasia syndrome (AT). Also called: ATAXIA-TELANGIECTASIA, COMPLEMENTATION GROUP A; ATAXIA-TELANGIECTASIA, FRESNO VARIANT; Ataxia-telangiectasia; Ataxia-telangiectasia, complementation group E; LOUIS-BAR SYNDROME; Cerebello-oculocutaneous telangiectasia. Identifiers: Orphanet 100, MedGen C0004135, MONDO:0008840, OMIM 208900.

Submissions (2):

Color Diagnostics, LLC DBA Color Health
Classification: Uncertain significance for Hereditary cancer-predisposing syndrome. Last evaluated: 2025-05-05. Review status: criteria provided, single submitter. Criteria: ACMG Guidelines, 2015. Collection method: clinical testing. Allele origin: germline.
Comment: This missense variant replaces histidine with leucine at codon 2430 of the ATM protein. Computational prediction suggests that this variant may not impact protein structure and function. To our knowledge, functional studies have not been reported for this variant. This variant has not been reported in individuals affected with ATM-related disorders in the literature. This variant has not been identified in the general population by the Genome Aggregation Database (gnomAD). The available evidence is insufficient to determine the role of this variant in disease conclusively. Therefore, this variant is classified as a Variant of Uncertain Significance.

Labcorp Genetics (formerly Invitae), Labcorp
Classification: Uncertain significance for Ataxia-telangiectasia syndrome. Last evaluated: 2022-10-11. Review status: criteria provided, single submitter. Criteria: Invitae Variant Classification Sherloc (09022015). Collection method: clinical testing. Allele origin: germline.
Comment: Algorithms developed to predict the effect of missense changes on protein structure and function (SIFT, PolyPhen-2, Align-GVGD) all suggest that this variant is likely to be tolerated. In summary, the available evidence is currently insufficient to determine the role of this variant in disease. Therefore, it has been classified as a Variant of Uncertain Significance. This variant has not been reported in the literature in individuals affected with ATM-related conditions. This variant is not present in population databases (gnomAD no frequency). This sequence change replaces histidine, which is basic and polar, with leucine, which is neutral and non-polar, at codon 2430 of the ATM protein (p.His2430Leu).

NM_000051.4(ATM):c.7289A>T (p.His2430Leu)

Genes: ATM (ATM serine/threonine kinase; plus strand), C11orf65 (chromosome 11 open reading frame 65; minus strand). Cytogenetic location: 11q22.3.
Variant type: single nucleotide variant.
Coding change: c.7289A>T on transcript NM_000051.4 (MANE Select); coding-DNA position 7289, A replaced by T.
Protein change: p.His2430Leu; replaces histidine 2430 with leucine.
Molecular consequence: missense variant. On other transcripts: intron variant (2).
Genome position (GRCh38, 1-based): chr11:108,329,220, A>T. VCF-style: chr11-108329220-A-T. GRCh37 (hg19) VCF-style: chr11-108199947-A-T.
Other names: c.7289A>T, p.His2430Leu (NM_001351834.2); c.641-20149T>A (NM_001330368.2); c.*38+6000T>A (NM_001351110.2); short protein forms H2430L.
Identifiers: ClinVar variation 2101146 (VCV002101146.5), dbSNP rs786202856, ClinGen allele CA382559806.